The following is an entry in ClinVar:

NM_020822.3(KCNT1):c.2376C>T (p.Asp792=)

Gene: KCNT1 (potassium sodium-activated channel subfamily T member 1; plus strand). Cytogenetic location: 9q34.3.
Variant type: single nucleotide variant.
Coding change: c.2376C>T on transcript NM_020822.3 (MANE Select); coding-DNA position 2376, C replaced by T.
Protein change: p.Asp792=; no amino-acid change (aspartic acid 792 retained).
Molecular consequence: synonymous variant.
Genome position (GRCh38, 1-based): chr9:135,777,364, C>T. VCF-style: chr9-135777364-C-T. GRCh37 (hg19) VCF-style: chr9-138669210-C-T.
Other names: p.Asp792=; c.2241C>T, p.Asp747= (NM_001272003.2).
Identifiers: ClinVar variation 195619 (VCV000195619.50), dbSNP rs149028586, ClinGen allele CA201861.

ClinVar aggregate classification (germline): Benign/Likely benign. Review status: criteria provided, multiple submitters, no conflicts (2 of 4 stars). 14 submissions from 13 submitters: Benign (9); Likely benign (3). 2 of the submissions do not count toward it. Last evaluated 2026-09-01.

Conditions:
Inborn genetic diseases. Identifiers: MedGen C0950123, MeSH D030342.
Autosomal dominant nocturnal frontal lobe epilepsy 5. Also called: KCNT1-Related Epilepsy; CILIARY DYSKINESIA, PRIMARY, 28, WITHOUT SITUS INVERSUS; CILIARY DYSKINESIA, PRIMARY, 28, WITH SITUS INVERSUS; Epilepsy, nocturnal frontal lobe, 5. Identifiers: Orphanet 98784, MedGen C3554306, MONDO:0014002, OMIM 615005.
Developmental and epileptic encephalopathy, 14 (DEE14). Also called: Early infantile epileptic encephalopathy 14. Identifiers: Orphanet 293181, MedGen C3554195, MONDO:0013989, OMIM 614959.

Allele frequency attached by ClinVar (database versions not stated): ESP Exome Variant Server 0.00284; 1000 Genomes Project 30x 0.00297; 1000 Genomes Project 0.00300; gnomAD 0.00351 and 0.00353; gnomAD exomes 0.00390 and 0.00468; ExAC 0.00410; TOPMed 0.00414.
gnomAD v4.1: 7,452 of 1,613,998 alleles (0.46%); highest among the groups gnomAD compares: Admixed American, 0.56%; 29 homozygotes.

Submissions (14):

CeGaT Center for Human Genetics Tuebingen
Classification: Benign. Last evaluated: 2026-09-01. Review status: criteria provided, single submitter. Criteria: CeGaT Center For Human Genetics Tuebingen Variant Classification Criteria Version 2. Collection method: clinical testing. Allele origin: germline. Affected: yes. Observed: 24 variant alleles.
Comment: KCNT1: BP4, BP7, BS1, BS2

Labcorp Genetics (formerly Invitae), Labcorp
Classification: Benign for Autosomal dominant nocturnal frontal lobe epilepsy 5; Developmental and epileptic encephalopathy, 14. Last evaluated: 2026-02-03. Review status: criteria provided, single submitter. Criteria: Invitae Variant Classification Sherloc (09022015). Collection method: clinical testing. Allele origin: germline.

Blueprint Genetics
Classification: Likely benign. Last evaluated: 2024-11-27. Review status: criteria provided, single submitter. Criteria: ACMG Guidelines, 2015. Collection method: clinical testing. Allele origin: germline.

Genome-Nilou Lab
Classification: Benign for Developmental and epileptic encephalopathy, 14. Last evaluated: 2022-03-15. Review status: criteria provided, single submitter. Criteria: ACMG Guidelines, 2015. Collection method: clinical testing. Allele origin: germline. Affected: no.

Genome-Nilou Lab
Classification: Benign for Autosomal dominant nocturnal frontal lobe epilepsy 5. Last evaluated: 2022-03-15. Review status: criteria provided, single submitter. Criteria: ACMG Guidelines, 2015. Collection method: clinical testing. Allele origin: germline. Affected: no.

Athena Diagnostics
Classification: Benign. Last evaluated: 2019-12-17. Review status: criteria provided, single submitter. Criteria: Athena Diagnostics Criteria. Collection method: clinical testing. Allele origin: unknown.

Mayo Clinic Laboratories, Mayo Clinic
Classification: Benign. Last evaluated: 2019-02-12. Review status: criteria provided, single submitter. Criteria: ACMG Guidelines, 2015. Collection method: clinical testing. Allele origin: germline. Observed: 8 variant alleles.

Ambry Genetics
Classification: Likely benign for Inborn genetic diseases. Last evaluated: 2016-03-21. Review status: criteria provided, single submitter. Criteria: Ambry Variant Classification Scheme 2023. Collection method: clinical testing. Allele origin: germline.

GeneDx
Classification: Benign. Last evaluated: 2016-03-07. Review status: criteria provided, single submitter. Criteria: GeneDx Variant Classification (06012015). Collection method: clinical testing. Allele origin: germline. Affected: yes.
Comment: This variant is considered likely benign or benign based on one or more of the following criteria: it is a conservative change, it occurs at a poorly conserved position in the protein, it is predicted to be benign by multiple in silico algorithms, and/or has population frequency not consistent with disease.

Eurofins Ntd Llc (ga)
Classification: Benign. Last evaluated: 2015-05-15. Review status: criteria provided, single submitter. Criteria: EGL Classification Definitions 2015. Collection method: clinical testing. Allele origin: germline.

Breakthrough Genomics
Classification: Likely benign. Review status: criteria provided, single submitter. Criteria: ACMG Guidelines, 2015. Collection method: not provided. Allele origin: germline. Inheritance: Autosomal dominant inheritance. Affected: yes.

PreventionGenetics, part of Exact Sciences
Classification: Benign. Review status: criteria provided, single submitter. Criteria: ACMG Guidelines, 2015. Collection method: clinical testing. Allele origin: germline.

Clinical Genetics DNA and cytogenetics Diagnostics Lab, Erasmus MC, Erasmus Medical Center
Classification: Likely benign. Review status: no assertion criteria provided. Collection method: clinical testing. Allele origin: germline. Affected: yes. Study: VKGL Data-share Consensus. Not counted in ClinVar's aggregate classification.

Genome Diagnostics Laboratory, University Medical Center Utrecht
Classification: Likely benign. Review status: no assertion criteria provided. Collection method: clinical testing. Allele origin: germline. Affected: yes. Study: VKGL Data-share Consensus. Not counted in ClinVar's aggregate classification.